The following is an entry in ClinVar:

ClinVar aggregate classification (germline): Uncertain significance. Review status: criteria provided, multiple submitters, no conflicts (2 of 4 stars). 2 submissions from 2 submitters: Uncertain significance (2). Last evaluated 2024-09-03.

Conditions:
Inborn genetic diseases. Identifiers: MedGen C0950123, MeSH D030342.

Allele frequency attached by ClinVar (database versions not stated): ESP Exome Variant Server 0.00008; gnomAD exomes 0.00009 and 0.00010; ExAC 0.00010; gnomAD 0.00011 and 0.00012; TOPMed 0.00012.
gnomAD v4.1: 152 of 1,614,066 alleles (0.0094%); highest among the groups gnomAD compares: African/African-American, 0.012%; no homozygotes.

Submissions (2):

Ambry Genetics
Classification: Uncertain significance for Inborn genetic diseases. Last evaluated: 2024-09-03. Review status: criteria provided, single submitter. Criteria: Ambry Variant Classification Scheme 2023. Collection method: clinical testing. Allele origin: germline.

GeneDx
Classification: Uncertain significance. Last evaluated: 2021-04-05. Review status: criteria provided, single submitter. Criteria: GeneDx Variant Classification Process June 2021. Collection method: clinical testing. Allele origin: germline. Affected: yes.
Comment: In silico analysis supports that this missense variant does not alter protein structure/function; Has not been previously published as pathogenic or benign to our knowledge

NM_015354.3(NUP188):c.3820C>T (p.Arg1274Trp)

Gene: NUP188 (nucleoporin 188; plus strand). Cytogenetic location: 9q34.11.
Variant type: single nucleotide variant.
Coding change: c.3820C>T on transcript NM_015354.3 (MANE Select); coding-DNA position 3820, C replaced by T.
Protein change: p.Arg1274Trp; replaces arginine 1274 with tryptophan.
Molecular consequence: missense variant.
Genome position (GRCh38, 1-based): chr9:128,999,782, C>T. VCF-style: chr9-128999782-C-T. GRCh37 (hg19) VCF-style: chr9-131762061-C-T.
Other names: c.3820C>T (NM_015354.1); short protein forms R1274W.
Identifiers: ClinVar variation 1314268 (VCV001314268.3), dbSNP rs199856481, ClinGen allele CA5273084.